The following is an entry in ClinVar:

NM_015426.5(POC1A):c.1126_1129delACAG

Gene: POC1A (POC1 centriolar protein A; minus strand). Cytogenetic location: 3p21.2.
Variant type: Deletion.
Coding change: c.1126_1129delACAG on transcript NM_015426.5 (MANE Select); coding-DNA positions 1126 to 1129, 4 bases deleted (ACAG).
Molecular consequence: splice acceptor variant.
Genome position (GRCh38, 1-based): chr3:52,075,982-52,075,985, CTGT deleted on the plus strand (ACAG on the coding strand, the reverse complement: POC1A is on the minus strand); deleting any 4 consecutive bases within chr3:52,075,982-52,075,988 gives the same sequence; the c. name uses the placement nearest the transcript's 3' end. VCF-style (leftmost placement, unchanged base first): chr3-52075981-ACTGT-A. GRCh37 (hg19) VCF-style: chr3-52109997-ACTGT-A.
Identifiers: ClinVar variation 2573579 (VCV002573579.1), ClinGen allele CA2580616469.

ClinVar aggregate classification (germline): Uncertain significance (1 of 4 stars; one submission).

Submission:

Women's Health and Genetics/Laboratory Corporation of America, LabCorp
Classification: Uncertain significance. Last evaluated: 2023-06-27. Review status: criteria provided, single submitter. Criteria: LabCorp Variant Classification Summary - May 2015. Collection method: clinical testing. Allele origin: germline.
Comment: Variant summary: POC1A c.1126_1129delACAG (p.Thr376SerfsX8) results in a premature termination codon, predicted to cause a truncation of the encoded protein. Nonsense mediated decay is not expected in this region. No variants downstream of this position have been classified as pathogenic by our laboratory or other ClinVar submitters. The variant was absent in 251412 control chromosomes (gnomAD). The available data on variant occurrences in the general population are insufficient to allow any conclusion about variant significance. To our knowledge, no occurrence of c.1126_1129delACAG in individuals affected with Short stature-onychodysplasia-facial dysmorphism-hypotrichosis syndrome and no experimental evidence demonstrating its impact on protein function have been reported. No submitters have cited clinical-significance assessments for this variant to ClinVar after 2014. Based on the evidence outlined above, the variant was classified as uncertain significance.